The following is an entry in ClinVar:

NM_000057.4(BLM):c.2197C>T (p.Pro733Ser)

Gene: BLM (BLM RecQ like helicase; plus strand). Cytogenetic location: 15q26.1.
Variant type: single nucleotide variant.
Coding change: c.2197C>T on transcript NM_000057.4 (MANE Select); coding-DNA position 2197, C replaced by T.
Protein change: p.Pro733Ser; replaces proline 733 with serine.
Molecular consequence: missense variant.
Genome position (GRCh38, 1-based): chr15:90,766,913, C>T. VCF-style: chr15-90766913-C-T. GRCh37 (hg19) VCF-style: chr15-91310143-C-T.
Other names: c.2197C>T, p.Pro733Ser (NM_001287246.2, NM_001287247.2); c.1072C>T, p.Pro358Ser (NM_001287248.2); short protein forms P358S, P733S.
Identifiers: ClinVar variation 1787503 (VCV001787503.7), dbSNP rs940792839, ClinGen allele CA274741618.

ClinVar aggregate classification (germline): Uncertain significance. Review status: criteria provided, multiple submitters, no conflicts (2 of 4 stars). 2 submissions from 2 submitters: Uncertain significance (2). Last evaluated 2026-01-15.

Conditions:
Hereditary cancer-predisposing syndrome. Also called: Neoplastic Syndromes, Hereditary; Tumor predisposition; Hereditary Cancer Syndrome; Hereditary neoplastic syndrome. Identifiers: Orphanet 140162, MedGen C0027672, MeSH D009386, MONDO:0015356.
Bloom syndrome (BLM). Also called: Bloom-Torre-Machacek syndrome. Identifiers: Orphanet 125, MedGen C0005859, MONDO:0008876, OMIM 210900.

Allele frequency attached by ClinVar (database versions not stated): gnomAD 0.00001; TOPMed 0.00002.

Submissions (2):

Labcorp Genetics (formerly Invitae), Labcorp
Classification: Uncertain significance for Bloom syndrome. Last evaluated: 2026-01-15. Review status: criteria provided, single submitter. Criteria: Invitae Variant Classification Sherloc (09022015). Collection method: clinical testing. Allele origin: germline.
Comment: This sequence change replaces proline, which is neutral and non-polar, with serine, which is neutral and polar, at codon 733 of the BLM protein (p.Pro733Ser). This variant is present in population databases (no rsID available, gnomAD 0.007%). This variant has not been reported in the literature in individuals affected with BLM-related conditions. ClinVar contains an entry for this variant (Variation ID: 1787503). Invitae Evidence Modeling of protein sequence and biophysical properties (such as structural, functional, and spatial information, amino acid conservation, physicochemical variation, residue mobility, and thermodynamic stability) indicates that this missense variant is not expected to disrupt BLM protein function with a negative predictive value of 80%. In summary, the available evidence is currently insufficient to determine the role of this variant in disease. Therefore, it has been classified as a Variant of Uncertain Significance.

Ambry Genetics
Classification: Uncertain significance for Hereditary cancer-predisposing syndrome. Last evaluated: 2024-02-26. Review status: criteria provided, single submitter. Criteria: Ambry Variant Classification Scheme 2023. Collection method: clinical testing. Allele origin: germline.
Comment: The p.P733S variant (also known as c.2197C>T), located in coding exon 9 of the BLM gene, results from a C to T substitution at nucleotide position 2197. The proline at codon 733 is replaced by serine, an amino acid with similar properties. This amino acid position is conserved. In addition, this alteration is predicted to be tolerated by in silico analysis. Since supporting evidence is limited at this time, the clinical significance of this alteration remains unclear.